The following is an entry in ClinVar:

NM_030665.4(RAI1):c.4675C>T (p.Arg1559Ter)

Gene: RAI1 (retinoic acid induced 1; plus strand). Cytogenetic location: 17p11.2.
Variant type: single nucleotide variant.
Coding change: c.4675C>T on transcript NM_030665.4 (MANE Select); coding-DNA position 4675, C replaced by T.
Protein change: p.Arg1559Ter; replaces arginine 1559 with a stop codon.
Molecular consequence: nonsense.
Genome position (GRCh38, 1-based): chr17:17,797,623, C>T. VCF-style: chr17-17797623-C-T. GRCh37 (hg19) VCF-style: chr17-17700937-C-T.
Other names: short protein forms R1559*.
Identifiers: ClinVar variation 4082000 (VCV004082000.2).

ClinVar aggregate classification (germline): Pathogenic (1 of 4 stars; one submission).

Conditions:
Smith-Magenis syndrome (SMS). Also called: CHROMOSOME 17p11.2 DELETION SYNDROME. Identifiers: Orphanet 819, MedGen C0795864, MONDO:0008434, OMIM 182290.

gnomAD v4.1: 1 of 1,613,866 alleles (0.000062%); highest among the groups gnomAD compares: Non-Finnish European, 0.000085%; no homozygotes.

Submission:

Clinical Genetics Laboratory, University Hospital Schleswig-Holstein
Classification: Pathogenic for Smith-Magenis syndrome. Last evaluated: 2025-01-21. Review status: criteria provided, single submitter. Criteria: ACMG Guidelines, 2015. Collection method: clinical testing. Allele origin: de novo. Affected: yes.
Comment: ACMG criteria applied: PM2, PVS1, PS2_Supporting